The following is an entry in ClinVar:

NM_001291303.3(FAT4):c.5307+40T>C

Gene: FAT4 (FAT atypical cadherin 4; plus strand). Cytogenetic location: 4q28.1.
Variant type: single nucleotide variant.
Coding change: c.5307+40T>C on transcript NM_001291303.3 (MANE Select); 40 bases into the intron after coding-DNA position 5307, T replaced by C.
Molecular consequence: intron variant.
Genome position (GRCh38, 1-based): chr4:125,398,955, T>C. VCF-style: chr4-125398955-T-C. GRCh37 (hg19) VCF-style: chr4-126320110-T-C.
Other names: c.5307+40T>C (NM_001291285.3, NM_024582.6).
Identifiers: ClinVar variation 680096 (VCV000680096.1), dbSNP rs569179408, ClinGen allele CA3072667.
Genomic context (GRCh38, chr4:125,398,955, plus strand): 5'-ACAGCCATGGATGCTGATGAGGTAGCTCAAGCATGTCTCTGAATTTGTGAAACTTCGTAG[T>C]GCAGTGATTTATCAAATTTCTAGGATATGTTGACTACTTTTATTACCCAATAATTAAGGT-3'

ClinVar aggregate classification (germline): Likely benign (1 of 4 stars; one submission).

Allele frequency attached by ClinVar (database versions not stated): gnomAD 0.00005 and 0.00042; TOPMed 0.00009; gnomAD exomes 0.00159; ExAC 0.00179; 1000 Genomes Project 30x 0.00250; 1000 Genomes Project 0.00300.
gnomAD v4.1: 1,168 of 1,600,844 alleles (0.073%); highest among the groups gnomAD compares: South Asian, 1.2%; 15 homozygotes.

Submission:

GeneDx
Classification: Likely benign. Last evaluated: 2018-06-14. Review status: criteria provided, single submitter. Criteria: GeneDx Variant Classification (06012015). Collection method: clinical testing. Allele origin: germline. Affected: yes.
Comment: This variant is considered likely benign or benign based on one or more of the following criteria: it is a conservative change, it occurs at a poorly conserved position in the protein, it is predicted to be benign by multiple in silico algorithms, and/or has population frequency not consistent with disease.